The following is an entry in ClinVar:

NM_006445.4(PRPF8):c.5138+5G>T

Gene: PRPF8 (pre-mRNA processing factor 8; minus strand). Cytogenetic location: 17p13.3.
Variant type: single nucleotide variant.
Coding change: c.5138+5G>T on transcript NM_006445.4 (MANE Select); 5 bases into the intron after coding-DNA position 5138, G replaced by T.
Molecular consequence: intron variant.
Genome position (GRCh38, 1-based): chr17:1,659,352, C>A on the plus strand (G>T on the coding strand, the complement: PRPF8 is on the minus strand). VCF-style: chr17-1659352-C-A. GRCh37 (hg19) VCF-style: chr17-1562646-C-A.
Identifiers: ClinVar variation 1511543 (VCV001511543.6), dbSNP rs377003550, ClinGen allele CA2573152964.

ClinVar aggregate classification (germline): Uncertain significance (1 of 4 stars; one submission).

gnomAD v4.1: 1 of 1,613,948 alleles (0.000062%); highest among the groups gnomAD compares: Middle Eastern, 0.017%; no homozygotes.

Submission:

Labcorp Genetics (formerly Invitae), Labcorp
Classification: Uncertain significance. Last evaluated: 2023-12-11. Review status: criteria provided, single submitter. Criteria: Invitae Variant Classification Sherloc (09022015). Collection method: clinical testing. Allele origin: germline.
Comment: This sequence change falls in intron 32 of the PRPF8 gene. It does not directly change the encoded amino acid sequence of the PRPF8 protein. It affects a nucleotide within the consensus splice site. This variant is not present in population databases (gnomAD no frequency). This variant has not been reported in the literature in individuals affected with PRPF8-related conditions. ClinVar contains an entry for this variant (Variation ID: 1511543). Variants that disrupt the consensus splice site are a relatively common cause of aberrant splicing (PMID: 17576681, 9536098). Algorithms developed to predict the effect of sequence changes on RNA splicing suggest that this variant may disrupt the consensus splice site. In summary, the available evidence is currently insufficient to determine the role of this variant in disease. Therefore, it has been classified as a Variant of Uncertain Significance.

Literature cited by the submitters: PubMed 17576681; PubMed 9536098.